The following is an entry in ClinVar:

NM_032043.3(BRIP1):c.3320T>C (p.Leu1107Pro)

Gene: BRIP1 (BRCA1 interacting DNA helicase 1; minus strand). Cytogenetic location: 17q23.2.
Variant type: single nucleotide variant.
Coding change: c.3320T>C on transcript NM_032043.3 (MANE Select); coding-DNA position 3320, T replaced by C.
Protein change: p.Leu1107Pro; replaces leucine 1107 with proline.
Molecular consequence: missense variant.
Genome position (GRCh38, 1-based): chr17:61,683,726, A>G on the plus strand (T>C on the coding strand, the complement: BRIP1 is on the minus strand). VCF-style: chr17-61683726-A-G. GRCh37 (hg19) VCF-style: chr17-59761087-A-G.
Other names: short protein forms L1107P.
Identifiers: ClinVar variation 2188371 (VCV002188371.5), dbSNP rs2144080241, ClinGen allele CA400478987.

ClinVar aggregate classification (germline): Conflicting classifications of pathogenicity. Review status: criteria provided, conflicting classifications (1 of 4 stars). 2 submissions from 2 submitters: Uncertain significance (1); Likely benign (1). Last evaluated 2023-10-15.

Conditions:
Hereditary cancer-predisposing syndrome. Also called: Neoplastic Syndromes, Hereditary; Hereditary Cancer Syndrome; Hereditary neoplastic syndrome; Tumor predisposition. Identifiers: Orphanet 140162, MedGen C0027672, MeSH D009386, MONDO:0015356.
Familial cancer of breast. Also called: hereditary breast carcinoma; BREAST CANCER, FAMILIAL; Hereditary breast cancer. Identifiers: Orphanet 227535, MedGen C0346153, MONDO:0016419, OMIM 114480. Disease mechanism: loss of function.
Fanconi anemia complementation group J. Also called: BRIP1-Related Fanconi Anemia. Identifiers: Orphanet 84, MedGen C1836860, MONDO:0012187, OMIM 609054.

Submissions (2):

Ambry Genetics
Classification: Likely benign for Hereditary cancer-predisposing syndrome. Last evaluated: 2023-10-15. Review status: criteria provided, single submitter. Criteria: Ambry Variant Classification Scheme 2023. Collection method: clinical testing. Allele origin: germline.

Labcorp Genetics (formerly Invitae), Labcorp
Classification: Uncertain significance for Familial cancer of breast; Fanconi anemia complementation group J. Last evaluated: 2022-02-05. Review status: criteria provided, single submitter. Criteria: Invitae Variant Classification Sherloc (09022015). Collection method: clinical testing. Allele origin: germline.
Comment: In summary, the available evidence is currently insufficient to determine the role of this variant in disease. Therefore, it has been classified as a Variant of Uncertain Significance. Algorithms developed to predict the effect of missense changes on protein structure and function output the following: SIFT: "Tolerated"; PolyPhen-2: "Benign"; Align-GVGD: "Class C0". The proline amino acid residue is found in multiple mammalian species, which suggests that this missense change does not adversely affect protein function. This variant has not been reported in the literature in individuals affected with BRIP1-related conditions. This variant is not present in population databases (gnomAD no frequency). This sequence change replaces leucine, which is neutral and non-polar, with proline, which is neutral and non-polar, at codon 1107 of the BRIP1 protein (p.Leu1107Pro).